The following is an entry in ClinVar:

ClinVar aggregate classification (germline): Conflicting classifications of pathogenicity. Review status: criteria provided, conflicting classifications (1 of 4 stars). 9 submissions from 9 submitters: Uncertain significance (7); Likely benign (1). 1 of the submissions does not count toward it. Last evaluated 2026-06-01.

Conditions:
MYO7A-related disorder. Also called: MYO7A-related disorders.
Usher syndrome type 1 (USH1). Also called: RETINITIS PIGMENTOSA AND CONGENITAL DEAFNESS. Identifiers: Orphanet 231169, Orphanet 886, MedGen C1568247, MONDO:0010168, OMIM 276900.
Autosomal recessive nonsyndromic hearing loss 2. Also called: NEUROSENSORY NONSYNDROMIC RECESSIVE DEAFNESS 2; DEAFNESS, AUTOSOMAL RECESSIVE 2. Identifiers: Orphanet 90636, MedGen C1838701, MONDO:0010807, OMIM 600060.
Autosomal dominant nonsyndromic hearing loss 11. Identifiers: Orphanet 90635, MedGen C1832475, MONDO:0011032, OMIM 601317.
Usher syndrome type 1B (USH1B). Also called: Usher syndrome type IB. Identifiers: MedGen C1848638, MONDO:0700087.

Allele frequency attached by ClinVar (database versions not stated): gnomAD 0.00007; TOPMed 0.00009; gnomAD exomes 0.00011 and 0.00014; ExAC 0.00018; ESP Exome Variant Server 0.00024.
gnomAD v4.1: 215 of 1,608,702 alleles (0.013%); highest among the groups gnomAD compares: Middle Eastern, 0.033%; no homozygotes.

Submissions (9):

CeGaT Center for Human Genetics Tuebingen
Classification: Uncertain significance. Last evaluated: 2026-06-01. Review status: criteria provided, single submitter. Criteria: CeGaT Center For Human Genetics Tuebingen Variant Classification Criteria Version 2. Collection method: clinical testing. Allele origin: germline. Affected: yes. Observed: 1 variant allele.
Comment: MYO7A: PM2, BP4

PreventionGenetics, part of Exact Sciences
Classification: Uncertain significance for MYO7A-related condition. Last evaluated: 2026-02-05. Review status: criteria provided, single submitter. Criteria: ACMG Guidelines, 2015. Collection method: clinical testing. Allele origin: germline.
Comment: The MYO7A c.2308G>A variant is predicted to result in the amino acid substitution p.Ala770Thr. This variant was reported together with second MYO7A variant in an individual with sensorineural hearing loss and both variants were assessed as uncertain (Patient 127 Supplement tab 2, Perry et al. 2022. PubMed ID: 36515421) and was also reported in another individual with hearing loss together with three other variants in MYO7A (patient Ot3246 Table S5, Ji et al. 2014. PubMed ID: 25342930). This variant is reported in 0.057% of alleles in individuals of East Asian descent in gnomAD. At this time, the clinical significance of this variant is uncertain due to the absence of conclusive functional and genetic evidence.

GeneDx
Classification: Uncertain significance. Last evaluated: 2025-12-03. Review status: criteria provided, single submitter. Criteria: GeneDx Variant Classification Process June 2021. Collection method: clinical testing. Allele origin: germline.
Comment: Identified with additional MYO7A variants in patients with mild hearing loss in published literature (PMID: 25342930, 36515421); In silico analysis supports that this missense variant has a deleterious effect on protein structure/function; This variant is associated with the following publications: (PMID: 25342930, 36515421)

Blueprint Genetics
Classification: Uncertain significance. Last evaluated: 2024-10-31. Review status: criteria provided, single submitter. Criteria: ACMG Guidelines, 2015. Collection method: clinical testing. Allele origin: germline.

Labcorp Genetics (formerly Invitae), Labcorp
Classification: Likely benign. Last evaluated: 2024-08-29. Review status: criteria provided, single submitter. Criteria: Invitae Variant Classification Sherloc (09022015). Collection method: clinical testing. Allele origin: germline.

Laboratory for Molecular Medicine, Mass General Brigham Personalized Medicine
Classification: Uncertain significance. Last evaluated: 2022-03-30. Review status: criteria provided, single submitter. Criteria: ACMG Guidelines, 2015. Collection method: clinical testing. Allele origin: germline.
Comment: It has also been identified in 0.06% (11/19272) of East Asian chromosomes by gnomAD. However, this frequency is low enough to be consistent with a recessive allele frequency. This variant has also been reported in ClinVar (Variation ID 229002). Computational prediction tools and conservation analyses do not provide strong support for or against an impact to the protein. In summary, while the clinical significance of this variant is uncertain, these data suggest that it is more likely to be benign. ACMG/AMP Criteria applied: BP5.

Fulgent Genetics
Classification: Uncertain significance for Usher syndrome type 1; Autosomal recessive nonsyndromic hearing loss 2; Autosomal dominant nonsyndromic hearing loss 11. Last evaluated: 2021-12-30. Review status: criteria provided, single submitter. Criteria: ACMG Guidelines, 2015. Collection method: clinical testing. Allele origin: unknown.

ARUP Laboratories, Molecular Genetics and Genomics, ARUP Laboratories
Classification: Uncertain significance. Last evaluated: 2018-01-23. Review status: criteria provided, single submitter. Criteria: ARUP Molecular Germline Variant Investigation Process. Collection method: clinical testing. Allele origin: germline.
Comment: The p.Ala770Thr variant (rs375253473) has not been reported in the medical literature; however a similar nearby variant (p.Ala771Ser) has been reported in two patients with Usher type I syndrome, one of whom carried a second PCDH15 variant (Nakanishi 2010 and Yoshimura 2014). This variant is listed in the Genome Aggregation Database (gnomAD) with a frequency of 0.05 percent in the East Asian population (identified on 10 out of 18,616 chromosomes), and has been reported to the ClinVar database with an uncertain classification (Variation ID: 229002). The alanine at position 770 is moderately conserved considering 13 species and computational analyses of the effects of the p.Ala770Thr variant on protein structure and function provide conflicting results (SIFT: damaging, MutationTaster: polymorphism, PolyPhen-2: possibly damaging). Altogether, there is not enough evidence to classify the p.Ala770Thr variant with certainty.

Natera, Inc.
Classification: Uncertain significance for Usher syndrome type 1B. Last evaluated: 2020-02-02. Review status: no assertion criteria provided. Collection method: clinical testing. Allele origin: germline. Not counted in ClinVar's aggregate classification.

Literature cited by the submitters: PubMed 25342930 (cited by Laboratory for Molecular Medicine, Mass General Brigham Personalized Medicine).

NM_000260.4(MYO7A):c.2308G>A (p.Ala770Thr)

Gene: MYO7A (myosin VIIA; plus strand). Cytogenetic location: 11q13.5.
Variant type: single nucleotide variant.
Coding change: c.2308G>A on transcript NM_000260.4 (MANE Select); coding-DNA position 2308, G replaced by A.
Protein change: p.Ala770Thr; replaces alanine 770 with threonine.
Molecular consequence: missense variant.
Genome position (GRCh38, 1-based): chr11:77,179,070, G>A. VCF-style: chr11-77179070-G-A. GRCh37 (hg19) VCF-style: chr11-76890116-G-A.
Other names: c.2308G>A, p.Ala770Thr (NM_001127180.2); c.2275G>A, p.Ala759Thr (NM_001369365.1); short protein forms A770T, A759T.
Identifiers: ClinVar variation 229002 (VCV000229002.29), dbSNP rs375253473, ClinGen allele CA6197804.